The following is an entry in ClinVar:

NM_005413.4(SIX3):c.909G>C (p.Pro303=)

Gene: SIX3 (SIX homeobox 3; plus strand). Cytogenetic location: 2p21.
Variant type: single nucleotide variant.
Coding change: c.909G>C on transcript NM_005413.4 (MANE Select); coding-DNA position 909, G replaced by C.
Protein change: p.Pro303=; no amino-acid change (proline 303 retained).
Molecular consequence: synonymous variant.
Genome position (GRCh38, 1-based): chr2:44,944,670, G>C. VCF-style: chr2-44944670-G-C. GRCh37 (hg19) VCF-style: chr2-45171809-G-C.
Identifiers: ClinVar variation 723116 (VCV000723116.33), dbSNP rs560888073, ClinGen allele CA1642414.
Genomic context (GRCh38, chr2:44,944,670, plus strand): 5'-GGCCGAGCCCGGCTGCCCCACGCACGGCTCGGCAGAGTCGCCGTCCACGGCGGCCAGCCC[G>C]ACCACCAGCGTGTCCAGCCTGACGGAGCGCGCAGACACCGGCACCTCCATCCTCTCGGTA-3'
Protein context (NP_005404.1, residues 293-313): SAESPSTAAS[Pro303=]TTSVSSLTER

ClinVar aggregate classification (germline): Benign/Likely benign. Review status: criteria provided, multiple submitters, no conflicts (2 of 4 stars). 2 submissions from 2 submitters: Benign (1); Likely benign (1). Last evaluated 2024-10-17.

Conditions:
Holoprosencephaly 2 (HPE2). Identifiers: Orphanet 2162, MedGen C1834877, MONDO:0007999, OMIM 157170.

Allele frequency attached by ClinVar (database versions not stated): 1000 Genomes Project 30x 0.00062; 1000 Genomes Project 0.00080.
gnomAD v4.1: 248 of 1,581,820 alleles (0.016%); highest among the groups gnomAD compares: South Asian, 0.25%; 2 homozygotes.

Submissions (2):

Labcorp Genetics (formerly Invitae), Labcorp
Classification: Benign for Holoprosencephaly 2. Last evaluated: 2024-10-17. Review status: criteria provided, single submitter. Criteria: Invitae Variant Classification Sherloc (09022015). Collection method: clinical testing. Allele origin: germline.

CeGaT Center for Human Genetics Tuebingen
Classification: Likely benign. Last evaluated: 2023-10-01. Review status: criteria provided, single submitter. Criteria: CeGaT Center For Human Genetics Tuebingen Variant Classification Criteria Version 2. Collection method: clinical testing. Allele origin: germline. Affected: yes. Observed: 1 variant allele.
Comment: SIX3: BP4, BP7, BS1